The following is an entry in ClinVar:

NM_001845.6(COL4A1):c.3077G>C (p.Gly1026Ala)

Gene: COL4A1 (collagen type IV alpha 1 chain; minus strand). Cytogenetic location: 13q34.
Variant type: single nucleotide variant.
Coding change: c.3077G>C on transcript NM_001845.6 (MANE Select); coding-DNA position 3077, G replaced by C.
Protein change: p.Gly1026Ala; replaces glycine 1026 with alanine.
Molecular consequence: missense variant.
Genome position (GRCh38, 1-based): chr13:110,175,339, C>G on the plus strand (G>C on the coding strand, the complement: COL4A1 is on the minus strand). VCF-style: chr13-110175339-C-G. GRCh37 (hg19) VCF-style: chr13-110827686-C-G.
Other names: short protein forms G1026A.
Identifiers: ClinVar variation 1027962 (VCV001027962.3), dbSNP rs1877834496, ClinGen allele CA388665652.

ClinVar aggregate classification (germline): Uncertain significance (1 of 4 stars; one submission).

Conditions:
Brain small vessel disease 1 with or without ocular anomalies (BSVD1). Also called: Brain small vessel disease with or without ocular anomalies; BRAIN SMALL VESSEL DISEASE WITH HEMORRHAGE; GOULD SYNDROME 1; PORENCEPHALY, TYPE 1, AUTOSOMAL DOMINANT. Identifiers: Orphanet 2940, Orphanet 36383, Orphanet 99810, MedGen C4755307, MONDO:0008289, OMIM 175780.

Submission:

Baylor Genetics
Classification: Uncertain significance for Brain small vessel disease 1 with or without ocular anomalies. Last evaluated: 2020-06-03. Review status: criteria provided, single submitter. Criteria: ACMG Guidelines, 2015. Collection method: clinical testing. Allele origin: unknown. Affected: yes.
Comment: This variant was determined to be of uncertain significance according to ACMG Guidelines, 2015 [PMID:25741868].